The following is an entry in ClinVar:

NM_000257.4(MYH7):c.4835T>C (p.Leu1612Pro)

Genes: MHRT (myosin heavy chain associated RNA transcript; plus strand), MYH7 (myosin heavy chain 7; minus strand), LOC126861897 (BRD4-independent group 4 enhancer GRCh37_chr14:23884455-23885654; plus strand). Cytogenetic location: 14q11.2.
Variant type: single nucleotide variant.
Coding change: c.4835T>C on transcript NM_000257.4 (MANE Select); coding-DNA position 4835, T replaced by C.
Protein change: p.Leu1612Pro; replaces leucine 1612 with proline.
Molecular consequence: missense variant. On other transcripts: non-coding transcript variant (1).
Genome position (GRCh38, 1-based): chr14:23,416,122, A>G on the plus strand (T>C on the coding strand, the complement: MYH7 is on the minus strand). VCF-style: chr14-23416122-A-G. GRCh37 (hg19) VCF-style: chr14-23885331-A-G.
Other names: NM_000257.4(MYH7):c.4835T>C; c.4835T>C, p.Leu1612Pro (LRG_384t1); short protein forms L1612P.
Identifiers: ClinVar variation 143213 (VCV000143213.12), dbSNP rs587779392, ClinGen allele CA015395.
Genomic context (GRCh38, chr14:23,416,122, plus strand): 5'-GCGTGGCTGAGCTGGATCTCCATCTCATTGAGGTCTCCTTCCATCTTCTTCTTCACCCTC[A>G]GGGCCTCGTTGCGGCTGCGTGTCTCTGCGTCCAGGGAGGTCTGCAGCGAGTCCACCACCC-3'
Protein context (NP_000248.2, residues 1602-1622): DAETRSRNEA[Leu1612Pro]RVKKKMEGDL

ClinVar aggregate classification (germline): Likely pathogenic. Review status: criteria provided, multiple submitters, no conflicts (2 of 4 stars). 3 submissions from 3 submitters: Likely pathogenic (2). 1 of the submissions does not count toward it. Last evaluated 2023-03-23.

Conditions:
Neuromuscular disease caused by qualitative or quantitative defects of beta-myosin heavy chain (MYH7). Also called: Qualitative or quantitative defects of beta-myosin heavy chain (MYH7). Identifiers: Orphanet 209185, MedGen C5680832, MONDO:0016195.
MYH7-related skeletal myopathy. Also called: Myopathy, distal, 1; Laing distal myopathy; Laing early-onset distal myopathy; MYOPATHY, DISTAL, EARLY-ONSET, AUTOSOMAL DOMINANT; MYOPATHY, LATE DISTAL HEREDITARY. Identifiers: Orphanet 59135, MedGen C4552004, MONDO:0008050, OMIM 160500.
Hypertrophic cardiomyopathy. Also called: HYPERTROPHIC MYOCARDIOPATHY. Identifiers: Orphanet 217569, MedGen C0007194, MeSH D002312, MONDO:0005045, HP:0001639.

Submissions (3):

Labcorp Genetics (formerly Invitae), Labcorp
Classification: Likely pathogenic for Hypertrophic cardiomyopathy. Last evaluated: 2023-03-23. Review status: criteria provided, single submitter. Criteria: Invitae Variant Classification Sherloc (09022015). Collection method: clinical testing. Allele origin: germline.
Comment: In summary, the currently available evidence indicates that the variant is pathogenic, but additional data are needed to prove that conclusively. Therefore, this variant has been classified as Likely Pathogenic. Advanced modeling of protein sequence and biophysical properties (such as structural, functional, and spatial information, amino acid conservation, physicochemical variation, residue mobility, and thermodynamic stability) performed at Invitae indicates that this missense variant is expected to disrupt MYH7 protein function. This sequence change replaces leucine, which is neutral and non-polar, with proline, which is neutral and non-polar, at codon 1612 of the MYH7 protein (p.Leu1612Pro). This variant is not present in population databases (gnomAD no frequency). This missense change has been observed in individuals with clinical features of autosomal dominant MYH7-related conditions (PMID: 24664454; Invitae). ClinVar contains an entry for this variant (Variation ID: 143213).

Broad Center for Mendelian Genomics, Broad Institute of MIT and Harvard
Classification: Likely pathogenic for Neuromuscular disease caused by qualitative or quantitative defects of beta-myosin heavy chain (MYH7). Last evaluated: 2023-01-24. Review status: criteria provided, single submitter. Criteria: ACMG Guidelines, 2015. Collection method: curation. Allele origin: germline. Inheritance: Autosomal dominant inheritance.
Comment: The p.Leu1612Pro variant in MYH7 has been reported in one individual with Laing early distal myopathy (MPDI) (PMID: 24664454). This variant was assumed de novo in this one individual, but maternity and paternity have not been confirmed (PMID: 24664454). This variant has also been reported in ClinVar (Variation ID:143213) and has been interpreted as pathogenic by Royal Perth Hospital Neurogenetics Laboratory and as a variant of uncertain significance (VUS) by Invitae. This variant was absent from large population studies. The number of missense variants reported in MYH7 in the general population is lower than expected, suggesting there is little benign variation in this gene and slightly increasing the possibility that a missense variant in this gene may not be tolerated. Multiple variants in the same region as p.Leu1612Pro variant have been reported in association with disease in the literature, suggesting that this variant is in a hot spot and slightly supports pathogenicity ( PMID: 24664454). Computational prediction tools and conservation analyses suggest that this variant may impact the protein, though this information is not predictive enough to determine pathogenicity. In summary, although additional studies are required to fully establish its clinical significance, this variant is likely pathogenic for autosomal dominant MYH7-associated myopathy. ACMG/AMP Criteria applied: PS4_Supporting, PM1, PM2_Supporting, PM6_Supporting, PP3 (Richards 2015).

Neurogenetics Laboratory, Royal Perth Hospital
Classification: Pathogenic for Myopathy, distal, 1. Last evaluated: 2013-01-01. Review status: no assertion criteria provided. Collection method: clinical testing. Allele origin: germline. Affected: yes. Observed: 1 variant allele. Not counted in ClinVar's aggregate classification.

Literature cited by the submitters: PubMed 24664454 (cited by Labcorp Genetics (formerly Invitae), Labcorp and Neurogenetics Laboratory, Royal Perth Hospital).